The following is an entry in ClinVar:

NM_001384732.1(CPLANE1):c.4112A>G (p.Tyr1371Cys)

Gene: CPLANE1 (ciliogenesis and planar polarity effector complex subunit 1; minus strand). Cytogenetic location: 5p13.2.
Variant type: single nucleotide variant.
Coding change: c.4112A>G on transcript NM_001384732.1 (MANE Select); coding-DNA position 4112, A replaced by G.
Protein change: p.Tyr1371Cys; replaces tyrosine 1371 with cysteine.
Molecular consequence: missense variant.
Genome position (GRCh38, 1-based): chr5:37,186,363, T>C on the plus strand (A>G on the coding strand, the complement: CPLANE1 is on the minus strand). VCF-style: chr5-37186363-T-C. GRCh37 (hg19) VCF-style: chr5-37186465-T-C.
Other names: c.4112A>G, p.Tyr1371Cys (NM_023073.4); short protein forms Y1371C.
Identifiers: ClinVar variation 2088214 (VCV002088214.4), dbSNP rs2547873848, ClinGen allele CA359503467.
Genomic context (GRCh38, chr5:37,186,363, plus strand): 5'-CTGAGTCTCTGGTGAAGAGAGTGATATTTGTCTCTTAAAGGAACCCTCACGTCCTCAGGA[T>C]AGGGAAATGCTTTCACGAAAATTTCTGCTACCTTCAGAAAAAAAATTGTTTAAGTTTTAT-3'
Protein context (NP_001371661.1, residues 1361-1381): VAEIFVKAFP[Tyr1371Cys]PEDVRVPLRD

ClinVar aggregate classification (germline): Uncertain significance (1 of 4 stars; one submission).

Allele frequency attached by ClinVar (database versions not stated): gnomAD exomes below 0.00001.
gnomAD v4.1: 1 of 1,603,080 alleles (0.000062%); highest among the groups gnomAD compares: Non-Finnish European, 0.000085%; no homozygotes.

Submission:

Labcorp Genetics (formerly Invitae), Labcorp
Classification: Uncertain significance. Last evaluated: 2025-02-17. Review status: criteria provided, single submitter. Criteria: Invitae Variant Classification Sherloc (09022015). Collection method: clinical testing. Allele origin: germline.
Comment: This sequence change replaces tyrosine, which is neutral and polar, with cysteine, which is neutral and slightly polar, at codon 1371 of the CPLANE1 protein (p.Tyr1371Cys). This variant is not present in population databases (gnomAD no frequency). This variant has not been reported in the literature in individuals affected with CPLANE1-related conditions. ClinVar contains an entry for this variant (Variation ID: 2088214). Invitae Evidence Modeling of protein sequence and biophysical properties (such as structural, functional, and spatial information, amino acid conservation, physicochemical variation, residue mobility, and thermodynamic stability) indicates that this missense variant is not expected to disrupt CPLANE1 protein function with a negative predictive value of 95%. In summary, the available evidence is currently insufficient to determine the role of this variant in disease. Therefore, it has been classified as a Variant of Uncertain Significance.